The following is an entry in ClinVar:

ClinVar aggregate classification (germline): Uncertain significance. Review status: criteria provided, multiple submitters, no conflicts (2 of 4 stars). 5 submissions from 5 submitters: Uncertain significance (4). 1 of the submissions does not count toward it. Last evaluated 2023-03-02.

Conditions:
Deficiency of hydroxymethylglutaryl-CoA lyase (HMGCLD). Also called: HMGCL DEFICIENCY; HYDROXYMETHYLGLUTARIC ACIDURIA; Defect in leucine metabolism; 3-hydroxy-3-methylglutaric aciduria; HMG-CoA LYASE DEFICIENCY. Identifiers: Orphanet 20, MedGen C1533587, MONDO:0009520, OMIM 246450.

Allele frequency attached by ClinVar (database versions not stated): TOPMed 0.00012; gnomAD 0.00013 and 0.00011; ExAC 0.00006.
gnomAD v4.1: 192 of 1,558,296 alleles (0.012%); highest among the groups gnomAD compares: Middle Eastern, 0.083%; no homozygotes.

Submissions (5):

GeneDx
Classification: Uncertain significance. Last evaluated: 2023-03-02. Review status: criteria provided, single submitter. Criteria: GeneDx Variant Classification Process June 2021. Collection method: clinical testing. Allele origin: germline. Affected: yes.
Comment: In silico analysis supports that this missense variant does not alter protein structure/function; Has not been previously published as pathogenic or benign to our knowledge

Labcorp Genetics (formerly Invitae), Labcorp
Classification: Uncertain significance for Deficiency of hydroxymethylglutaryl-CoA lyase. Last evaluated: 2022-08-20. Review status: criteria provided, single submitter. Criteria: Invitae Variant Classification Sherloc (09022015). Collection method: clinical testing. Allele origin: germline.
Comment: This sequence change replaces arginine, which is basic and polar, with proline, which is neutral and non-polar, at codon 19 of the HMGCL protein (p.Arg19Pro). This variant is present in population databases (rs377359610, gnomAD 0.02%). This variant has not been reported in the literature in individuals affected with HMGCL-related conditions. ClinVar contains an entry for this variant (Variation ID: 876115). Algorithms developed to predict the effect of missense changes on protein structure and function are either unavailable or do not agree on the potential impact of this missense change (SIFT: "Deleterious"; PolyPhen-2: "Benign"; Align-GVGD: "Class C0"). In summary, the available evidence is currently insufficient to determine the role of this variant in disease. Therefore, it has been classified as a Variant of Uncertain Significance.

Genome-Nilou Lab
Classification: Uncertain significance for Deficiency of hydroxymethylglutaryl-CoA lyase. Last evaluated: 2021-07-14. Review status: criteria provided, single submitter. Criteria: ACMG Guidelines, 2015. Collection method: clinical testing. Allele origin: germline. Affected: no.

Illumina Laboratory Services, Illumina
Classification: Uncertain significance for Deficiency of hydroxymethylglutaryl-CoA lyase. Last evaluated: 2018-02-02. Review status: criteria provided, single submitter. Criteria: ICSL Variant Classification Criteria 13 December 2019. Collection method: clinical testing. Allele origin: germline.

Natera, Inc.
Classification: Uncertain significance for HMG-CoA lyase deficiency. Last evaluated: 2020-07-29. Review status: no assertion criteria provided. Collection method: clinical testing. Allele origin: germline. Not counted in ClinVar's aggregate classification.

NM_000191.3(HMGCL):c.56G>C (p.Arg19Pro)

Gene: HMGCL (3-hydroxy-3-methylglutaryl-CoA lyase; minus strand). Cytogenetic location: 1p36.11.
Variant type: single nucleotide variant.
Coding change: c.56G>C on transcript NM_000191.3 (MANE Select); coding-DNA position 56, G replaced by C.
Protein change: p.Arg19Pro; replaces arginine 19 with proline.
Molecular consequence: missense variant.
Genome position (GRCh38, 1-based): chr1:23,825,360, C>G on the plus strand (G>C on the coding strand, the complement: HMGCL is on the minus strand). VCF-style: chr1-23825360-C-G. GRCh37 (hg19) VCF-style: chr1-24151850-C-G.
Other names: c.56G>C, p.Arg19Pro (NM_001166059.2); short protein forms R19P.
Identifiers: ClinVar variation 876115 (VCV000876115.12), dbSNP rs377359610, ClinGen allele CA686222.